The following is an entry in ClinVar:

ClinVar aggregate classification (germline): Likely benign. Review status: criteria provided, multiple submitters, no conflicts (2 of 4 stars). 4 submissions from 4 submitters: Likely benign (3). 1 of the submissions does not count toward it. Last evaluated 2026-01-09.

Conditions:
Neuromuscular disease caused by qualitative or quantitative defects of dysferlin. Also called: Dysferlinopathy; Qualitative or quantitative defects of dysferlin. Identifiers: Orphanet 207073, MedGen C2931687, MONDO:0016145.
Autosomal recessive limb-girdle muscular dystrophy type 2B (LGMDR2). Also called: Limb-Girdle Muscular Dystrophy Type 2B (LGMD2B); MUSCULAR DYSTROPHY, LIMB-GIRDLE, AUTOSOMAL RECESSIVE 2; MUSCULAR DYSTROPHY, LIMB-GIRDLE, TYPE 3; Limb-girdle muscular dystrophy, type 2B. Identifiers: Orphanet 268, MedGen C1850889, MONDO:0009676, OMIM 253601.
DYSF-related disorder. Also called: DYSF-related condition; DYSF-related disorders.

Allele frequency attached by ClinVar (database versions not stated): gnomAD 0.00002 and 0.00001; ExAC 0.00001; TOPMed 0.00002; gnomAD exomes 0.00001.
gnomAD v4.1: 22 of 1,614,074 alleles (0.0014%); highest among the groups gnomAD compares: Non-Finnish European, 0.0019%; 1 homozygote.

Submissions (4):

Labcorp Genetics (formerly Invitae), Labcorp
Classification: Likely benign for Neuromuscular disease caused by qualitative or quantitative defects of dysferlin. Last evaluated: 2026-01-09. Review status: criteria provided, single submitter. Criteria: Invitae Variant Classification Sherloc (09022015). Collection method: clinical testing. Allele origin: germline.

PreventionGenetics, part of Exact Sciences
Classification: Likely benign for DYSF-related condition. Last evaluated: 2024-10-16. Review status: criteria provided, single submitter. Criteria: ACMG Guidelines, 2015. Collection method: clinical testing. Allele origin: germline.
Comment: This variant is classified as likely benign based on ACMG/AMP sequence variant interpretation guidelines (Richards et al. 2015 PMID: 25741868, with internal and published modifications).

Blueprint Genetics
Classification: Likely benign. Last evaluated: 2024-08-14. Review status: criteria provided, single submitter. Criteria: ACMG Guidelines, 2015. Collection method: clinical testing. Allele origin: germline.

Natera, Inc.
Classification: Likely benign for Limb-girdle muscular dystrophy type 2B. Last evaluated: 2020-03-07. Review status: no assertion criteria provided. Collection method: clinical testing. Allele origin: germline. Not counted in ClinVar's aggregate classification.

NM_003494.4(DYSF):c.27C>G (p.Ala9=)

Gene: DYSF (dysferlin; plus strand). Cytogenetic location: 2p13.2.
Variant type: single nucleotide variant.
Coding change: c.27C>G on transcript NM_003494.4 (MANE Plus Clinical); coding-DNA position 27, C replaced by G.
Protein change: p.Ala9=; no amino-acid change (alanine 9 retained).
Molecular consequence: synonymous variant.
Genome position (GRCh38, 1-based): chr2:71,454,025, C>G. VCF-style: chr2-71454025-C-G. GRCh37 (hg19) VCF-style: chr2-71681155-C-G.
Other names: c.27C>G, p.Ala9= (NM_001130976.2, NM_001130977.2, NM_001130978.2 and 3 more transcripts).
Identifiers: ClinVar variation 761738 (VCV000761738.14), dbSNP rs771520271, ClinGen allele CA1705170.